The following is an entry in ClinVar:

ClinVar aggregate classification (germline): Uncertain significance (1 of 4 stars; one submission).

Submission:

GeneDx
Classification: Uncertain significance. Last evaluated: 2024-10-14. Review status: criteria provided, single submitter. Criteria: GeneDx Variant Classification Process June 2021. Collection method: clinical testing. Allele origin: germline. Affected: yes.
Comment: Not observed at significant frequency in large population cohorts (gnomAD); In silico analysis supports that this missense variant has a deleterious effect on protein structure/function; Has not been previously published as pathogenic or benign to our knowledge

NM_207037.2(TCF12):c.1832G>T (p.Arg611Leu)

Gene: TCF12 (transcription factor 12; plus strand). Cytogenetic location: 15q21.3.
Variant type: single nucleotide variant.
Coding change: c.1832G>T on transcript NM_207037.2 (MANE Select); coding-DNA position 1832, G replaced by T.
Protein change: p.Arg611Leu; replaces arginine 611 with leucine.
Molecular consequence: missense variant.
Genome position (GRCh38, 1-based): chr15:57,273,116, G>T. VCF-style: chr15-57273116-G-T. GRCh37 (hg19) VCF-style: chr15-57565314-G-T.
Other names: c.1322G>T, p.Arg441Leu (NM_001306219.3); c.1052G>T, p.Arg351Leu (NM_001306220.3); c.1832G>T, p.Arg611Leu (NM_001322151.2, NM_001322159.3, NM_001322162.2 and 1 more transcripts); c.1829G>T, p.Arg610Leu (NM_001322152.2, NM_001322161.2); c.1175G>T, p.Arg392Leu (NM_001322154.2); c.1658G>T, p.Arg553Leu (NM_001322156.2); c.1760G>T, p.Arg587Leu (NM_001322157.3, NM_001322165.2, NM_003205.4 and 1 more transcripts); c.1586G>T, p.Arg529Leu (NM_001322158.2); and 2 more; short protein forms R351L, R392L, R417L, R441L, R529L, R553L, R587L, R599L.
Identifiers: ClinVar variation 3777295 (VCV003777295.1).